The following is an entry in ClinVar:

NM_018975.4(TERF2IP):c.785AGG[3] (p.Glu263_Val264insGlu)

Gene: TERF2IP (TERF2 interacting protein; plus strand). Cytogenetic location: 16q23.1.
Variant type: Microsatellite.
Coding change: c.785AGG[3] on transcript NM_018975.4 (MANE Select); three copies in a row of the 3-base unit AGG starting at c.785; the reference has two copies in a row; one copy, 3 bases duplicated.
Protein change: p.Glu263_Val264insGlu.
Molecular consequence: inframe insertion. On other transcripts: non-coding transcript variant (1).
Genome position (GRCh38, 1-based): chr16:75,654,390-75,654,392, AGG duplicated; duplicating any 3 consecutive bases within chr16:75,654,386-75,654,392 gives the same sequence; the position shown is the placement nearest the transcript's 3' end. VCF-style (leftmost placement, unchanged base first): chr16-75654385-T-TGAG. GRCh37 (hg19) VCF-style: chr16-75688283-T-TGAG.
Identifiers: ClinVar variation 1929265 (VCV001929265.5), dbSNP rs750675709, ClinGen allele CA8178080.

ClinVar aggregate classification (germline): Uncertain significance (1 of 4 stars; one submission).

Submission:

Labcorp Genetics (formerly Invitae), Labcorp
Classification: Uncertain significance. Last evaluated: 2023-06-21. Review status: criteria provided, single submitter. Criteria: Invitae Variant Classification Sherloc (09022015). Collection method: clinical testing. Allele origin: germline.
Comment: This variant is present in population databases (rs750675709, gnomAD 0.02%). This variant, c.788_790dup, results in the insertion of 1 amino acid(s) of the TERF2IP protein (p.Glu263dup), but otherwise preserves the integrity of the reading frame. This variant has not been reported in the literature in individuals affected with TERF2IP-related conditions. Algorithms developed to predict the effect of sequence changes on RNA splicing suggest that this variant may disrupt the consensus splice site. In summary, the available evidence is currently insufficient to determine the role of this variant in disease. Therefore, it has been classified as a Variant of Uncertain Significance.